The following is an entry in ClinVar:

ClinVar aggregate classification (germline): Uncertain significance (1 of 4 stars; one submission).

Conditions:
Congenital myopathy with internal nuclei and atypical cores. Also called: Myopathy, centronuclear, 4. Identifiers: Orphanet 319160, MedGen C4707232, MONDO:0013890, OMIM 614807.

Allele frequency attached by ClinVar (database versions not stated): TOPMed below 0.00001; gnomAD 0.00001.

Submission:

Labcorp Genetics (formerly Invitae), Labcorp
Classification: Uncertain significance for Congenital myopathy with internal nuclei and atypical cores. Last evaluated: 2021-09-26. Review status: criteria provided, single submitter. Criteria: Invitae Variant Classification Sherloc (09022015). Collection method: clinical testing. Allele origin: germline.
Comment: In summary, the available evidence is currently insufficient to determine the role of this variant in disease. Therefore, it has been classified as a Variant of Uncertain Significance. Experimental studies and prediction algorithms are not available or were not evaluated, and the functional significance of this variant is currently unknown. This variant has not been reported in the literature in individuals affected with CCDC78-related conditions. This variant is not present in population databases (ExAC no frequency). This variant, c.703_708dup, results in the insertion of 2 amino acid(s) to the CCDC78 protein (p.Gln235_Leu236dup), but otherwise preserves the integrity of the reading frame.

NM_001378030.1(CCDC78):c.703_708dup (p.233QL[3])

Gene: CCDC78 (coiled-coil domain containing 78; minus strand). Cytogenetic location: 16p13.3.
Variant type: Duplication.
Coding change: c.703_708dup on transcript NM_001378030.1 (MANE Select); coding-DNA positions 703 to 708, 6 bases duplicated (CAGCTC; older notation c.703_708dupCAGCTC).
Protein change: p.233QL[3].
Molecular consequence: inframe insertion. On other transcripts: non-coding transcript variant (5), intron variant (1).
Genome position (GRCh38, 1-based): chr16:724,738-724,743, GAGCTG duplicated on the plus strand (CAGCTC on the coding strand, the reverse complement: CCDC78 is on the minus strand). VCF-style (leftmost placement, unchanged base first): chr16-724737-T-TGAGCTG. GRCh37 (hg19) VCF-style: chr16-774737-T-TGAGCTG.
Other names: c.703_708dup, p.233QL[3] (NM_001031737.3, NM_001378031.1); c.199-234_199-229dup (NM_001378033.1).
Identifiers: ClinVar variation 1477811 (VCV001477811.6), dbSNP rs1392358219, ClinGen allele CA723564871.
Genomic context (GRCh38, chr16:724,737, plus strand): 5'-TCACCACTGCCTGCCAGGCGCAGTGTTGCAGCCGTAGGACGTACTCATCCTTCAGTTTCT[T>TGAGCTG]GAGCTGCAGCTGCAGCCGGGCATTTTCAGCCTCTGCCTGACGGAGCTGGCCTTGGCAGCT-3'